The following is an entry in ClinVar:

ClinVar aggregate classification (germline): Likely benign (1 of 4 stars; one submission).

Allele frequency attached by ClinVar (database versions not stated): gnomAD exomes below 0.00001.
gnomAD v4.1: 3 of 1,613,832 alleles (0.00019%); highest among the groups gnomAD compares: Non-Finnish European, 0.00025%; no homozygotes.

Submission:

CeGaT Center for Human Genetics Tuebingen
Classification: Likely benign. Last evaluated: 2024-02-01. Review status: criteria provided, single submitter. Criteria: CeGaT Center For Human Genetics Tuebingen Variant Classification Criteria Version 2. Collection method: clinical testing. Allele origin: germline. Affected: yes. Observed: 1 variant allele.
Comment: ADGRV1: PM2:Supporting, BP4, BP7

NM_032119.4(ADGRV1):c.5172A>C (p.Ala1724=)

Gene: ADGRV1 (adhesion G protein-coupled receptor V1; plus strand). Cytogenetic location: 5q14.3.
Variant type: single nucleotide variant.
Coding change: c.5172A>C on transcript NM_032119.4 (MANE Select); coding-DNA position 5172, A replaced by C.
Protein change: p.Ala1724=; no amino-acid change (alanine 1724 retained).
Molecular consequence: synonymous variant. On other transcripts: non-coding transcript variant (1).
Genome position (GRCh38, 1-based): chr5:90,675,304, A>C. VCF-style: chr5-90675304-A-C. GRCh37 (hg19) VCF-style: chr5-89971121-A-C.
Identifiers: ClinVar variation 3027199 (VCV003027199.22), dbSNP rs903645088, ClinGen allele CA122799516.
Genomic context (GRCh38, chr5:90,675,304, plus strand): 5'-CTTGCTGCAGTTCTCCACAGGGCTGCCTCCTCAGCCTAAGGACGCAATGACCCTGCCTGC[A>C]AGCAGCGTTCCACATATCACTGTGGAGGAGGAAGATGGAGAAATCAGGTTATTGGTCATC-3'
Protein context (NP_115495.3, residues 1714-1734): PQPKDAMTLP[Ala1724=]SSVPHITVEE